The following is an entry in ClinVar:

ClinVar aggregate classification (germline): Uncertain significance (1 of 4 stars; one submission).

Submission:

GeneDx
Classification: Uncertain significance. Last evaluated: 2023-08-02. Review status: criteria provided, single submitter. Criteria: GeneDx Variant Classification Process June 2021. Collection method: clinical testing. Allele origin: germline. Affected: yes.
Comment: Not observed at significant frequency in large population cohorts (gnomAD); In silico analysis supports that this missense variant does not alter protein structure/function; Has not been previously published as pathogenic or benign to our knowledge; This variant is associated with the following publications: (PMID: 21520338, 31554319, 9590290)

NM_005422.4(TECTA):c.2275C>G (p.Pro759Ala)

Genes: TBCEL-TECTA (TBCEL-TECTA readthrough; plus strand), TECTA (tectorin alpha; plus strand). Cytogenetic location: 11q23.3.
Variant type: single nucleotide variant.
Coding change: c.2275C>G on transcript NM_005422.4 (MANE Select); coding-DNA position 2275, C replaced by G.
Protein change: p.Pro759Ala; replaces proline 759 with alanine.
Molecular consequence: missense variant.
Genome position (GRCh38, 1-based): chr11:121,128,252, C>G. VCF-style: chr11-121128252-C-G. GRCh37 (hg19) VCF-style: chr11-120998961-C-G.
Other names: c.3232C>G, p.Pro1078Ala (NM_001378761.1); short protein forms P1078A, P759A.
Identifiers: ClinVar variation 3361815 (VCV003361815.1).
Genomic context (GRCh38, chr11:121,128,252, plus strand): 5'-CTCCTGAAGACCTGCCCTGAGCGCCCAGAGTACTTGGAAATCGACATCAACAAGAAGAAG[C>G]CCGATGCAGGACCTGCTTGGCTGCGGGGACTTCGGATCCTGGTGGCCGACCAGGAGGTCA-3'
Protein context (NP_005413.2, residues 749-769): YLEIDINKKK[Pro759Ala]DAGPAWLRGL